The following is an entry in ClinVar:

NM_022455.5(NSD1):c.1159G>C (p.Glu387Gln)

Gene: NSD1 (nuclear receptor binding SET domain protein 1; plus strand). Cytogenetic location: 5q35.3.
Variant type: single nucleotide variant.
Coding change: c.1159G>C on transcript NM_022455.5 (MANE Select); coding-DNA position 1159, G replaced by C.
Protein change: p.Glu387Gln; replaces glutamic acid 387 with glutamine.
Molecular consequence: missense variant.
Genome position (GRCh38, 1-based): chr5:177,204,215, G>C. VCF-style: chr5-177204215-G-C. GRCh37 (hg19) VCF-style: chr5-176631216-G-C.
Other names: c.286G>C, p.Glu96Gln (NM_001365684.2, NM_001409306.1, NM_001409307.1 and 3 more transcripts); c.1159G>C, p.Glu387Gln (NM_001409301.1, NM_001409302.1, NM_001409303.1); c.739G>C, p.Glu247Gln (NM_001409304.1); c.406G>C, p.Glu136Gln (NM_001409305.1); short protein forms E387Q, E118Q, E136Q, E247Q, E96Q.
Identifiers: ClinVar variation 524712 (VCV000524712.9), dbSNP rs1374361789, ClinGen allele CA362304839.

ClinVar aggregate classification (germline): Uncertain significance (1 of 4 stars; one submission).

Allele frequency attached by ClinVar (database versions not stated): gnomAD exomes below 0.00001.

Submission:

Labcorp Genetics (formerly Invitae), Labcorp
Classification: Uncertain significance. Last evaluated: 2018-03-14. Review status: criteria provided, single submitter. Criteria: Invitae Variant Classification Sherloc (09022015). Collection method: clinical testing. Allele origin: germline.
Comment: In summary, the available evidence is currently insufficient to determine the role of this variant in disease. Therefore, it has been classified as a Variant of Uncertain Significance. Algorithms developed to predict the effect of missense changes on protein structure and function do not agree on the potential impact of this missense change (SIFT: "Deleterious"; PolyPhen-2: "Probably Damaging"; Align-GVGD: "Class C0"). This variant has not been reported in the literature in individuals with NSD1-related disease. This variant is not present in population databases (ExAC no frequency). This sequence change replaces glutamic acid with glutamine at codon 387 of the NSD1 protein (p.Glu387Gln). The glutamic acid residue is moderately conserved and there is a small physicochemical difference between glutamic acid and glutamine.